The following is an entry in ClinVar:

NM_000944.5(PPP3CA):c.754A>G (p.Thr252Ala)

Gene: PPP3CA (protein phosphatase 3 catalytic subunit alpha; minus strand). Cytogenetic location: 4q24.
Variant type: single nucleotide variant.
Coding change: c.754A>G on transcript NM_000944.5 (MANE Select); coding-DNA position 754, A replaced by G.
Protein change: p.Thr252Ala; replaces threonine 252 with alanine.
Molecular consequence: missense variant.
Genome position (GRCh38, 1-based): chr4:101,093,804, T>C on the plus strand (A>G on the coding strand, the complement: PPP3CA is on the minus strand). VCF-style: chr4-101093804-T-C. GRCh37 (hg19) VCF-style: chr4-102014961-T-C.
Other names: c.754A>G (NM_000944.4); c.754A>G, p.Thr252Ala (NM_001130691.2, NM_001130692.2); short protein forms T252A.
Identifiers: ClinVar variation 2053038 (VCV002053038.7), dbSNP rs2475915743, ClinGen allele CA357949134.
Genomic context (GRCh38, chr4:101,093,804, plus strand): 5'-CGTGTTCCAGAGAGCAAGTTCTCTATTCTTACCTGTAGAAGTATGAACACCCCCTGACTG[T>C]GTTGTGAGTGAAATGTTCCTGAGTCTTCTCATTTCCAAAATCTTCCAGGGGGTCTGACCA-3'
Protein context (NP_000935.1, residues 242-262): EKTQEHFTHN[Thr252Ala]VRGCSYFYSY

ClinVar aggregate classification (germline): Uncertain significance. Review status: criteria provided, multiple submitters, no conflicts (2 of 4 stars). 2 submissions from 2 submitters: Uncertain significance (2). Last evaluated 2023-02-02.

Allele frequency attached by ClinVar (database versions not stated): gnomAD exomes below 0.00001.
gnomAD v4.1: 1 of 1,613,168 alleles (0.000062%); highest among the groups gnomAD compares: Non-Finnish European, 0.000085%; no homozygotes.

Submissions (2):

GeneDx
Classification: Uncertain significance. Last evaluated: 2023-02-02. Review status: criteria provided, single submitter. Criteria: GeneDx Variant Classification Process June 2021. Collection method: clinical testing. Allele origin: germline. Affected: yes.
Comment: Not observed at significant frequency in large population cohorts (gnomAD); In silico analysis supports that this missense variant does not alter protein structure/function; Has not been previously published as pathogenic or benign to our knowledge

Labcorp Genetics (formerly Invitae), Labcorp
Classification: Uncertain significance. Last evaluated: 2022-05-25. Review status: criteria provided, single submitter. Criteria: Invitae Variant Classification Sherloc (09022015). Collection method: clinical testing. Allele origin: germline.
Comment: This variant has not been reported in the literature in individuals affected with PPP3CA-related conditions. In summary, the available evidence is currently insufficient to determine the role of this variant in disease. Therefore, it has been classified as a Variant of Uncertain Significance. Algorithms developed to predict the effect of missense changes on protein structure and function (SIFT, PolyPhen-2, Align-GVGD) all suggest that this variant is likely to be tolerated. This variant is not present in population databases (gnomAD no frequency). This sequence change replaces threonine, which is neutral and polar, with alanine, which is neutral and non-polar, at codon 252 of the PPP3CA protein (p.Thr252Ala).